The following is an entry in ClinVar:

NM_001367624.2(ZNF469):c.3321G>A (p.Arg1107=)

Gene: ZNF469 (zinc finger protein 469; plus strand). Cytogenetic location: 16q24.2.
Variant type: single nucleotide variant.
Coding change: c.3321G>A on transcript NM_001367624.2 (MANE Select); coding-DNA position 3321, G replaced by A.
Protein change: p.Arg1107=; no amino-acid change (arginine 1107 retained).
Molecular consequence: synonymous variant.
Genome position (GRCh38, 1-based): chr16:88,430,791, G>A. VCF-style: chr16-88430791-G-A. GRCh37 (hg19) VCF-style: chr16-88497199-G-A.
Other names: NM_001127464.1:c.3237G>A; NM_001127464.2:c.3237G>A; p.Arg1107=.
Identifiers: ClinVar variation 320905 (VCV000320905.25), dbSNP rs763826959, ClinGen allele CA8224843.

ClinVar aggregate classification (germline): Conflicting classifications of pathogenicity. Review status: criteria provided, conflicting classifications (1 of 4 stars). 11 submissions from 11 submitters: Uncertain significance (1); Likely benign (8). 2 of the submissions do not count toward it. Last evaluated 2026-02-01.

Conditions:
Brittle cornea syndrome 1 (BCS1). Also called: CORNEAL FRAGILITY, KERATOGLOBUS, BLUE SCLERAE, JOINT HYPEREXTENSIBILITY; EDS6B; DYSGENESIS MESODERMALIS CORNEAE ET SCLERAE; FRAGILITAS OCULI WITH JOINT HYPEREXTENSIBILITY; Corneal fragility keratoglobus, blue sclerae AND joint hypermobility. Identifiers: Orphanet 90354, MedGen C0268344, MONDO:0024543, OMIM 229200.
Cardiovascular phenotype. Identifiers: MedGen CN230736.
Ehlers-Danlos syndrome (EDS). Identifiers: Orphanet 98249, MedGen C0013720, MONDO:0020066.

Allele frequency attached by ClinVar (database versions not stated): ExAC 0.00011; gnomAD exomes 0.00034 and 0.00123; gnomAD 0.00044 and 0.00045; TOPMed 0.00049.
gnomAD v4.1: 1,728 of 1,526,812 alleles (0.11%); highest among the groups gnomAD compares: Non-Finnish European, 0.15%; no homozygotes.

Submissions (11):

CeGaT Center for Human Genetics Tuebingen
Classification: Likely benign. Last evaluated: 2026-02-01. Review status: criteria provided, single submitter. Criteria: CeGaT Center For Human Genetics Tuebingen Variant Classification Criteria Version 2. Collection method: clinical testing. Allele origin: germline. Affected: yes. Observed: 1 variant allele.
Comment: ZNF469: BP4, BP7

Labcorp Genetics (formerly Invitae), Labcorp
Classification: Likely benign. Last evaluated: 2026-01-13. Review status: criteria provided, single submitter. Criteria: Invitae Variant Classification Sherloc (09022015). Collection method: clinical testing. Allele origin: germline.

Mayo Clinic Laboratories, Mayo Clinic
Classification: Likely benign. Last evaluated: 2025-09-23. Review status: criteria provided, single submitter. Criteria: ACMG Guidelines, 2015. Collection method: clinical testing. Allele origin: germline. Observed: 6 variant alleles.
Comment: BS1, BP4, BP7

Women's Health and Genetics/Laboratory Corporation of America, LabCorp
Classification: Likely benign. Last evaluated: 2024-12-02. Review status: criteria provided, single submitter. Criteria: LabCorp Variant Classification Summary - May 2015. Collection method: clinical testing. Allele origin: germline.

Blueprint Genetics
Classification: Likely benign. Last evaluated: 2024-10-10. Review status: criteria provided, single submitter. Criteria: ACMG Guidelines, 2015. Collection method: clinical testing. Allele origin: germline.

Center for Genomics, Ann and Robert H. Lurie Children's Hospital of Chicago
Classification: Likely benign for Brittle cornea syndrome 1. Last evaluated: 2023-01-17. Review status: criteria provided, single submitter. Criteria: ACMG Guidelines, 2015. Collection method: clinical testing. Allele origin: germline.
Comment: This variant has not been reported in thel literature. It is present in gnomAD (Highest reported MAF: 0.007% [47/67984]), and in ClinVar, with classifications ranging from likely benign to uncertain significance (Variation ID: 320905). Of note, this is a silent variant and thus does not change the amino acid, it occurs at a nucleotide position that is poorly conserved evolutionarily, and it is not predicted to impact splicing; this reduces the probability that this variant is disease-causing. In summary, data on this variant suggests that this variant does not cause disease but requires further evidence. Therefore, this variant is classified as likely benign.

GeneDx
Classification: Likely benign. Last evaluated: 2020-09-24. Review status: criteria provided, single submitter. Criteria: GeneDx Variant Classification (06012015). Collection method: clinical testing. Allele origin: germline. Affected: yes.

Genome Diagnostics Laboratory, The Hospital for Sick Children
Classification: Uncertain significance for Ehlers-Danlos syndrome. Last evaluated: 2019-12-01. Review status: criteria provided, single submitter. Criteria: ACMG Guidelines, 2015. Collection method: clinical testing. Allele origin: germline.

Ambry Genetics
Classification: Likely benign for Cardiovascular phenotype. Last evaluated: 2019-01-09. Review status: criteria provided, single submitter. Criteria: Ambry Variant Classification Scheme 2023. Collection method: clinical testing. Allele origin: germline.

Clinical Genetics DNA and cytogenetics Diagnostics Lab, Erasmus MC, Erasmus Medical Center
Classification: Likely benign. Review status: no assertion criteria provided. Collection method: clinical testing. Allele origin: germline. Affected: yes. Study: VKGL Data-share Consensus. Not counted in ClinVar's aggregate classification.

Genome Diagnostics Laboratory, Amsterdam University Medical Center
Classification: Likely benign. Review status: no assertion criteria provided. Collection method: clinical testing. Allele origin: germline. Affected: yes. Study: VKGL Data-share Consensus. Not counted in ClinVar's aggregate classification.